The following is an entry in ClinVar:

ClinVar aggregate classification (germline): Uncertain significance (1 of 4 stars; one submission).

Conditions:
Koolen-de Vries syndrome (KDVS). Identifiers: Orphanet 96169, MedGen C1864871, MONDO:0012496, OMIM 610443.

gnomAD v4.1: 1 of 1,612,060 alleles (0.000062%); highest among the groups gnomAD compares: African/African-American, 0.0013%; no homozygotes.

Submission:

Labcorp Genetics (formerly Invitae), Labcorp
Classification: Uncertain significance for Koolen-de Vries syndrome. Last evaluated: 2024-12-22. Review status: criteria provided, single submitter. Criteria: Invitae Variant Classification Sherloc (09022015). Collection method: clinical testing. Allele origin: germline.
Comment: This sequence change replaces valine, which is neutral and non-polar, with alanine, which is neutral and non-polar, at codon 763 of the KANSL1 protein (p.Val763Ala). This variant is not present in population databases (gnomAD no frequency). This variant has not been reported in the literature in individuals affected with KANSL1-related conditions. Invitae Evidence Modeling of protein sequence and biophysical properties (such as structural, functional, and spatial information, amino acid conservation, physicochemical variation, residue mobility, and thermodynamic stability) indicates that this missense variant is not expected to disrupt KANSL1 protein function with a negative predictive value of 80%. In summary, the available evidence is currently insufficient to determine the role of this variant in disease. Therefore, it has been classified as a Variant of Uncertain Significance.

NM_015443.4(KANSL1):c.2288T>C (p.Val763Ala)

Gene: KANSL1 (KAT8 regulatory NSL complex subunit 1). Cytogenetic location: 17q21.31.
Variant type: single nucleotide variant.
Coding change: c.2288T>C on transcript NM_015443.4 (MANE Select); coding-DNA position 2288, T replaced by C.
Protein change: p.Val763Ala; replaces valine 763 with alanine.
Molecular consequence: missense variant. On other transcripts: intron variant (8).
Genome position (GRCh38, 1-based): chr17:46,039,131, A>G on the plus strand (T>C on the coding strand, the complement: KANSL1 is on the minus strand). VCF-style: chr17-46039131-A-G. GRCh37 (hg19) VCF-style: chr17-44116497-A-G.
Other names: c.2288T>C, p.Val763Ala (NM_001405856.1, NM_001405857.1, NM_001405858.1 and 8 more transcripts); c.2186T>C, p.Val729Ala (NM_001405859.1, NM_001405860.1, NM_001405861.1 and 1 more transcripts); c.1022T>C, p.Val341Ala (NM_001405882.1, NM_001405883.1); c.938-445T>C (NM_001405885.1, NM_001405884.1); c.2204-445T>C (NM_001405879.1, NM_001405875.1, NM_001405878.1 and 3 more transcripts); short protein forms V341A, V729A, V763A.
Identifiers: ClinVar variation 3621954 (VCV003621954.2).